The following is an entry in ClinVar:

ClinVar aggregate classification (germline): Likely benign (1 of 4 stars; one submission).

Allele frequency attached by ClinVar (database versions not stated): gnomAD 0.00003; gnomAD exomes 0.00003; TOPMed 0.00005; ExAC 0.00007; ESP Exome Variant Server 0.00008; 1000 Genomes Project 30x 0.00016; 1000 Genomes Project 0.00020.
gnomAD v4.1: 45 of 1,614,136 alleles (0.0028%); highest among the groups gnomAD compares: East Asian, 0.049%; no homozygotes.

Submission:

CeGaT Center for Human Genetics Tuebingen
Classification: Likely benign. Last evaluated: 2023-01-01. Review status: criteria provided, single submitter. Criteria: CeGaT Center For Human Genetics Tuebingen Variant Classification Criteria Version 2. Collection method: clinical testing. Allele origin: germline. Affected: yes. Observed: 1 variant allele.
Comment: EPB41L1: BP4, BP7

NM_012156.2(EPB41L1):c.414C>T (p.Phe138=)

Gene: EPB41L1 (erythrocyte membrane protein band 4.1 like 1; plus strand). Cytogenetic location: 20q11.23.
Variant type: single nucleotide variant.
Coding change: c.414C>T on transcript NM_012156.2 (MANE Select); coding-DNA position 414, C replaced by T.
Protein change: p.Phe138=; no amino-acid change (phenylalanine 138 retained).
Molecular consequence: synonymous variant.
Genome position (GRCh38, 1-based): chr20:36,178,023, C>T. VCF-style: chr20-36178023-C-T. GRCh37 (hg19) VCF-style: chr20-34765945-C-T.
Other names: c.414C>T, p.Phe138= (NM_001424385.1, NM_001424386.1, NM_001424387.1 and 13 more transcripts); c.228C>T, p.Phe76= (NM_001424389.1, NM_001424390.1, NM_001424391.1 and 19 more transcripts); c.321C>T, p.Phe107= (NM_001258330.1).
Identifiers: ClinVar variation 2652290 (VCV002652290.24), dbSNP rs373620188, ClinGen allele CA9839584.